The following is an entry in ClinVar:

ClinVar aggregate classification (germline): Pathogenic (1 of 4 stars; one submission).

Allele frequency attached by ClinVar (database versions not stated): TOPMed below 0.00001; gnomAD 0.00001; gnomAD exomes 0.00001; ExAC 0.00003.

Submission:

Labcorp Genetics (formerly Invitae), Labcorp
Classification: Pathogenic. Last evaluated: 2023-06-15. Review status: criteria provided, single submitter. Criteria: Invitae Variant Classification Sherloc (09022015). Collection method: clinical testing. Allele origin: germline.
Comment: For these reasons, this variant has been classified as Pathogenic. This variant has not been reported in the literature in individuals affected with RDH5-related conditions. This variant is present in population databases (rs773633834, gnomAD 0.005%). This sequence change creates a premature translational stop signal (p.Thr144Profs*15) in the RDH5 gene. It is expected to result in an absent or disrupted protein product. Loss-of-function variants in RDH5 are known to be pathogenic (PMID: 11675386, 22815624).

Literature cited by the submitters: PubMed 11675386; PubMed 22815624.

NM_002905.5(RDH5):c.430del (p.Thr144fs)

Genes: BLOC1S1-RDH5 (BLOC1S1-RDH5 readthrough; plus strand), RDH5 (retinol dehydrogenase 5; plus strand). Cytogenetic location: 12q13.2.
Variant type: Deletion.
Coding change: c.430del on transcript NM_002905.5 (MANE Select); coding-DNA position 430, one base deleted (A; older notation c.430delA).
Protein change: p.Thr144fs; shifts the reading frame from threonine 144.
Molecular consequence: frameshift variant. On other transcripts: non-coding transcript variant (1).
Genome position (GRCh38, 1-based): chr12:55,721,808, A deleted. VCF-style (leftmost placement, unchanged base first): chr12-55721807-CA-C. GRCh37 (hg19) VCF-style: chr12-56115591-CA-C.
Other names: c.430del, p.Thr144fs (NM_001199771.3); short protein forms T144fs.
Identifiers: ClinVar variation 2809237 (VCV002809237.3), dbSNP rs773633834, ClinGen allele CA6616841.
Genomic context (GRCh38, chr12:55,721,807, plus strand): 5'-GCTGACCCGGGACGATTTCCAGCGGGTGCTGAATGTGAACACAATGGGTCCCATCGGGGT[CA>C]CCCTTGCCCTGCTGCCTCTGCTGCAGCAAGCCCGGGGCCGGGTGATCAACATCACCAGCG-3'